The following is an entry in ClinVar:

NM_015102.5(NPHP4):c.3473-9C>T

Gene: NPHP4 (nephrocystin 4; minus strand). Cytogenetic location: 1p36.31.
Variant type: single nucleotide variant.
Coding change: c.3473-9C>T on transcript NM_015102.5 (MANE Select); 9 bases into the intron before coding-DNA position 3473, C replaced by T.
Molecular consequence: intron variant.
Genome position (GRCh38, 1-based): chr1:5,867,124, G>A on the plus strand (C>T on the coding strand, the complement: NPHP4 is on the minus strand). VCF-style: chr1-5867124-G-A. GRCh37 (hg19) VCF-style: chr1-5927184-G-A.
Other names: c.1937-9C>T (NM_001291594.2); c.1934-9C>T (NM_001291593.2).
Identifiers: ClinVar variation 3031157 (VCV003031157.2), dbSNP rs1245769383, ClinGen allele CA520738010.

ClinVar aggregate classification (germline): Likely benign (0 of 4 stars; one submission).

Conditions:
NPHP4-related disorder. Also called: NPHP4-related condition; NPHP4-related disorders. Identifiers: MedGen CN239384.

Allele frequency attached by ClinVar (database versions not stated): gnomAD exomes below 0.00001; gnomAD 0.00002; TOPMed 0.00002.
gnomAD v4.1: 4 of 1,605,866 alleles (0.00025%); highest among the groups gnomAD compares: African/African-American, 0.0054%; no homozygotes.

Submission:

PreventionGenetics, part of Exact Sciences
Classification: Likely benign for NPHP4-related condition. Last evaluated: 2021-04-01. Review status: no assertion criteria provided. Collection method: clinical testing. Allele origin: germline.
Comment: This variant is classified as likely benign based on ACMG/AMP sequence variant interpretation guidelines (Richards et al. 2015 PMID: 25741868, with internal and published modifications).